The following is an entry in ClinVar:

NM_138295.5(PKD1L1):c.2837-2A>G

Gene: PKD1L1 (polycystin 1 like 1, transient receptor potential channel interacting; minus strand). Cytogenetic location: 7p12.3.
Variant type: single nucleotide variant.
Coding change: c.2837-2A>G on transcript NM_138295.5 (MANE Select); the canonical splice acceptor site of the intron before coding-DNA position 2837, A replaced by G.
Molecular consequence: splice acceptor variant.
Genome position (GRCh38, 1-based): chr7:47,886,056, T>C on the plus strand (A>G on the coding strand, the complement: PKD1L1 is on the minus strand). VCF-style: chr7-47886056-T-C. GRCh37 (hg19) VCF-style: chr7-47925654-T-C.
Other names: c.2837-2A>G (NM_138295.3).
Identifiers: ClinVar variation 2056612 (VCV002056612.2), dbSNP rs765198326, ClinGen allele CA4253604.

ClinVar aggregate classification (germline): Conflicting classifications of pathogenicity. Review status: criteria provided, conflicting classifications (1 of 4 stars). 2 submissions from 2 submitters: Likely pathogenic (1); Uncertain significance (1). Last evaluated 2026-05-07.

Conditions:
PKD1L1-related disorder. Also called: PKD1L1-related condition.

Allele frequency attached by ClinVar (database versions not stated): gnomAD 0.00001; TOPMed 0.00001; ExAC 0.00002; gnomAD exomes 0.00003.
gnomAD v4.1: 45 of 1,599,612 alleles (0.0028%); highest among the groups gnomAD compares: Non-Finnish European, 0.0037%; no homozygotes.

Submissions (2):

PreventionGenetics, part of Exact Sciences
Classification: Uncertain significance for PKD1L1-related condition. Last evaluated: 2026-05-07. Review status: criteria provided, single submitter. Criteria: ACMG Guidelines, 2015. Collection method: clinical testing. Allele origin: germline.
Comment: The PKD1L1 c.2837-2A>G variant is predicted to disrupt the AG splice acceptor site and interfere with normal splicing. To our knowledge, this variant has not been reported in the literature. This variant is reported in 0.0018% of alleles in individuals of European (Non-Finnish) descent in gnomAD. Variants that disrupt the consensus splice acceptor site in PKD1L1 are expected to be pathogenic. However, this variant is predicted to result in an in-frame transcript. Although we suspect that this variant may be pathogenic, at this time, the clinical significance of this variant is uncertain due to the absence of conclusive functional and genetic evidence.

Labcorp Genetics (formerly Invitae), Labcorp
Classification: Likely pathogenic. Last evaluated: 2022-07-05. Review status: criteria provided, single submitter. Criteria: Invitae Variant Classification Sherloc (09022015). Collection method: clinical testing. Allele origin: germline.
Comment: This sequence change affects an acceptor splice site in intron 17 of the PKD1L1 gene. It is expected to disrupt RNA splicing. Variants that disrupt the donor or acceptor splice site typically lead to a loss of protein function (PMID: 16199547), and loss-of-function variants in PKD1L1 are known to be pathogenic (PMID: 27616478). This variant is present in population databases (rs765198326, gnomAD 0.002%). This variant has not been reported in the literature in individuals affected with PKD1L1-related conditions. Algorithms developed to predict the effect of sequence changes on RNA splicing suggest that this variant may disrupt the consensus splice site. In summary, the currently available evidence indicates that the variant is pathogenic, but additional data are needed to prove that conclusively. Therefore, this variant has been classified as Likely Pathogenic.

Literature cited by the submitters: PubMed 16199547 (cited by Labcorp Genetics (formerly Invitae), Labcorp); PubMed 27616478 (cited by Labcorp Genetics (formerly Invitae), Labcorp).